The following is an entry in ClinVar:

ClinVar aggregate classification (germline): Benign. Review status: criteria provided, single submitter (1 of 4 stars). 2 submissions from 2 submitters: Benign (1). 1 of the submissions does not count toward it. Last evaluated 2018-07-07.

Conditions:
ATAD5-related disorder. Also called: ATAD5-related condition.

Allele frequency attached by ClinVar (database versions not stated): gnomAD exomes 0.00057 and 0.00159; ExAC 0.00189; 1000 Genomes Project 30x 0.00390; 1000 Genomes Project 0.00399; gnomAD 0.00652 and 0.00709; ESP Exome Variant Server 0.00654; TOPMed 0.00716.
gnomAD v4.1: 1,881 of 1,613,090 alleles (0.12%); highest among the groups gnomAD compares: African/African-American, 2.2%; 25 homozygotes.

Submissions (2):

Labcorp Genetics (formerly Invitae), Labcorp
Classification: Benign. Last evaluated: 2018-07-07. Review status: criteria provided, single submitter. Criteria: Invitae Variant Classification Sherloc (09022015). Collection method: clinical testing. Allele origin: germline.

PreventionGenetics, part of Exact Sciences
Classification: Benign for ATAD5-related condition. Last evaluated: 2019-08-26. Review status: no assertion criteria provided. Collection method: clinical testing. Allele origin: germline. Not counted in ClinVar's aggregate classification.
Comment: This variant is classified as benign based on ACMG/AMP sequence variant interpretation guidelines (Richards et al. 2015 PMID: 25741868, with internal and published modifications).

NM_024857.5(ATAD5):c.4710G>A (p.Leu1570=)

Gene: ATAD5 (ATPase family AAA domain containing 5; plus strand). Cytogenetic location: 17q11.2.
Variant type: single nucleotide variant.
Coding change: c.4710G>A on transcript NM_024857.5 (MANE Select); coding-DNA position 4710, G replaced by A.
Protein change: p.Leu1570=; no amino-acid change (leucine 1570 retained).
Molecular consequence: synonymous variant.
Genome position (GRCh38, 1-based): chr17:30,893,563, G>A. VCF-style: chr17-30893563-G-A. GRCh37 (hg19) VCF-style: chr17-29220581-G-A.
Identifiers: ClinVar variation 725290 (VCV000725290.5), dbSNP rs58888931, ClinGen allele CA8484338.